The following is an entry in ClinVar:

ClinVar aggregate classification (germline): Uncertain significance (1 of 4 stars; one submission).

Conditions:
Hereditary spastic paraplegia 30. Identifiers: Orphanet 101010, MedGen C5235139, MONDO:0012476.
Neuropathy, hereditary sensory, type 2C. Also called: KIF1A-Related HSAN2 (HSAN2C); Hereditary sensory and autonomic neuropathy type IIC. Identifiers: Orphanet 970, MedGen C3280168, MONDO:0013634, OMIM 614213.
Intellectual disability, autosomal dominant 9 (NESCAVS). Also called: KIF1A-Related Neurodevelopmental Disorder; NESCAV SYNDROME. Identifiers: Orphanet 662367, MedGen C5393830, MONDO:0013656, OMIM 614255.

Allele frequency attached by ClinVar (database versions not stated): gnomAD 0.00001; gnomAD exomes 0.00001; TOPMed 0.00002.
gnomAD v4.1: 11 of 1,613,846 alleles (0.00068%); highest among the groups gnomAD compares: African/African-American, 0.0027%; no homozygotes.

Submission:

Labcorp Genetics (formerly Invitae), Labcorp
Classification: Uncertain significance for Hereditary spastic paraplegia 30; Neuropathy, hereditary sensory, type 2C; Intellectual disability, autosomal dominant 9. Last evaluated: 2025-05-15. Review status: criteria provided, single submitter. Criteria: Invitae Variant Classification Sherloc (09022015). Collection method: clinical testing. Allele origin: germline.
Comment: This sequence change replaces threonine, which is neutral and polar, with isoleucine, which is neutral and non-polar, at codon 377 of the KIF1A protein (p.Thr377Ile). This variant is present in population databases (no rsID available, gnomAD 0.003%). This variant has not been reported in the literature in individuals affected with KIF1A-related conditions. ClinVar contains an entry for this variant (Variation ID: 1495973). Invitae Evidence Modeling of protein sequence and biophysical properties (such as structural, functional, and spatial information, amino acid conservation, physicochemical variation, residue mobility, and thermodynamic stability) indicates that this missense variant is expected to disrupt KIF1A protein function with a positive predictive value of 95%. In summary, the available evidence is currently insufficient to determine the role of this variant in disease. Therefore, it has been classified as a Variant of Uncertain Significance.

NM_001244008.2(KIF1A):c.1130C>T (p.Thr377Ile)

Gene: KIF1A (kinesin family member 1A; minus strand). Cytogenetic location: 2q37.3.
Variant type: single nucleotide variant.
Coding change: c.1130C>T on transcript NM_001244008.2 (MANE Select); coding-DNA position 1130, C replaced by T.
Protein change: p.Thr377Ile; replaces threonine 377 with isoleucine.
Molecular consequence: missense variant.
Genome position (GRCh38, 1-based): chr2:240,773,164, G>A on the plus strand (C>T on the coding strand, the complement: KIF1A is on the minus strand). VCF-style: chr2-240773164-G-A. GRCh37 (hg19) VCF-style: chr2-241712581-G-A.
Other names: c.1130C>T, p.Thr377Ile (NM_001320705.2, NM_001330289.2, NM_001330290.2 and 20 more transcripts); short protein forms T377I.
Identifiers: ClinVar variation 1495973 (VCV001495973.6), dbSNP rs1183605403, ClinGen allele CA351295241.
Genomic context (GRCh38, chr2:240,773,164, plus strand): 5'-AGGCACTCACTGTCAGTGATGTCGCCAAGACCCTGGGCGTACAGAAGGTCCCGCAGCCGG[G>A]TCACCTCATCCTTCAGCTCGCGGATCAGCTTGTTGTTGGGGTCCTCATTGATGACAGCAT-3'
Protein context (NP_001230937.1, residues 367-387): KLIRELKDEV[Thr377Ile]RLRDLLYAQG